The following is an entry in ClinVar:

NM_001029.5(RPS26):c.83G>A (p.Arg28Gln)

Gene: RPS26 (ribosomal protein S26; plus strand). Cytogenetic location: 12q13.2.
Variant type: single nucleotide variant.
Coding change: c.83G>A on transcript NM_001029.5 (MANE Select); coding-DNA position 83, G replaced by A.
Protein change: p.Arg28Gln; replaces arginine 28 with glutamine.
Molecular consequence: missense variant.
Genome position (GRCh38, 1-based): chr12:56,042,504, G>A. VCF-style: chr12-56042504-G-A. GRCh37 (hg19) VCF-style: chr12-56436288-G-A.
Other names: short protein forms R28Q.
Identifiers: ClinVar variation 4993904 (VCV004993904.1).

ClinVar aggregate classification (germline): Uncertain significance (1 of 4 stars; one submission).

Conditions:
RPS26-related disorder. Also called: RPS26-related condition.

Submission:

PreventionGenetics, part of Exact Sciences
Classification: Uncertain significance for RPS26-related condition. Last evaluated: 2026-01-14. Review status: criteria provided, single submitter. Criteria: ACMG Guidelines, 2015. Collection method: clinical testing. Allele origin: germline.
Comment: The RPS26 c.83G>A variant is predicted to result in the amino acid substitution p.Arg28Gln. To our knowledge, this variant has not been reported in the literature. This variant is reported in 0.00089% of alleles in individuals of European (Non-Finnish) descent in gnomAD. At this time, the clinical significance of this variant is uncertain due to the absence of conclusive functional and genetic evidence.